The following is an entry in ClinVar:

ClinVar aggregate classification (germline): Uncertain significance (1 of 4 stars; one submission).

gnomAD v4.1: 12 of 1,611,082 alleles (0.00074%); highest among the groups gnomAD compares: Non-Finnish European, 0.00068%; no homozygotes.

Submission:

Labcorp Genetics (formerly Invitae), Labcorp
Classification: Uncertain significance. Last evaluated: 2025-10-08. Review status: criteria provided, single submitter. Criteria: Invitae Variant Classification Sherloc (09022015). Collection method: clinical testing. Allele origin: germline.
Comment: This sequence change replaces alanine, which is neutral and non-polar, with valine, which is neutral and non-polar, at codon 1115 of the ATRN protein (p.Ala1115Val). This variant is present in population databases (rs745613830, gnomAD 0.004%). This variant has not been reported in the literature in individuals affected with ATRN-related conditions. An algorithm developed to predict the effect of missense changes on protein structure and function (PolyPhen-2) suggests that this variant is likely to be disruptive. In summary, the available evidence is currently insufficient to determine the role of this variant in disease. Therefore, it has been classified as a Variant of Uncertain Significance.

NM_139321.3(ATRN):c.3344C>T (p.Ala1115Val)

Gene: ATRN (attractin; plus strand). Cytogenetic location: 20p13.
Variant type: single nucleotide variant.
Coding change: c.3344C>T on transcript NM_139321.3 (MANE Select); coding-DNA position 3344, C replaced by T.
Protein change: p.Ala1115Val; replaces alanine 1115 with valine.
Molecular consequence: missense variant.
Genome position (GRCh38, 1-based): chr20:3,594,500, C>T. VCF-style: chr20-3594500-C-T. GRCh37 (hg19) VCF-style: chr20-3575147-C-T.
Other names: c.2996C>T, p.Ala999Val (NM_001207047.3); c.3344C>T, p.Ala1115Val (NM_001323332.2, NM_139322.4); short protein forms A1115V, A999V.
Identifiers: ClinVar variation 4754769 (VCV004754769.1).